The following is an entry in ClinVar:

ClinVar aggregate classification (germline): Uncertain significance (1 of 4 stars; one submission).

Conditions:
VPS13B-related disorder. Also called: VPS13B-related condition.

Submission:

PreventionGenetics, part of Exact Sciences
Classification: Uncertain significance for VPS13B-related condition. Last evaluated: 2026-06-24. Review status: criteria provided, single submitter. Criteria: ACMG Guidelines, 2015. Collection method: clinical testing. Allele origin: germline.
Comment: The VPS13B c.4232G>T variant is predicted to result in the amino acid substitution p.Arg1411Leu. To our knowledge, this variant has not been reported in the literature or in a large population database, indicating this variant is rare. At this time, the clinical significance of this variant is uncertain due to the absence of conclusive functional and genetic evidence.

NM_017890.5(VPS13B):c.4232G>T (p.Arg1411Leu)

Gene: VPS13B (vacuolar protein sorting 13 homolog B; plus strand). Cytogenetic location: 8q22.2.
Variant type: single nucleotide variant.
Coding change: c.4232G>T on transcript NM_017890.5 (MANE Plus Clinical); coding-DNA position 4232, G replaced by T.
Protein change: p.Arg1411Leu; replaces arginine 1411 with leucine.
Molecular consequence: missense variant. On other transcripts: intron variant (1).
Genome position (GRCh38, 1-based): chr8:99,507,844, G>T. VCF-style: chr8-99507844-G-T. GRCh37 (hg19) VCF-style: chr8-100520072-G-T.
Other names: c.4224+641G>T (NM_152564.5); short protein forms R1411L.
Identifiers: ClinVar variation 4985314 (VCV004985314.1).